The following is an entry in ClinVar:

ClinVar aggregate classification (germline): Uncertain significance (1 of 4 stars; one submission).

Conditions:
Hyperkalemic periodic paralysis. Also called: Familial hyperkalemic periodic paralysis; Gamstorp disease. Identifiers: Orphanet 682, MedGen C0238357, MONDO:0008224, OMIM 170500, HP:0007215.

Submission:

Labcorp Genetics (formerly Invitae), Labcorp
Classification: Uncertain significance for Hyperkalemic periodic paralysis. Last evaluated: 2023-10-23. Review status: criteria provided, single submitter. Criteria: Invitae Variant Classification Sherloc (09022015). Collection method: clinical testing. Allele origin: germline.
Comment: This sequence change replaces leucine, which is neutral and non-polar, with valine, which is neutral and non-polar, at codon 615 of the SCN4A protein (p.Leu615Val). The frequency data for this variant in the population databases is considered unreliable, as metrics indicate poor data quality at this position in the gnomAD database. This variant has not been reported in the literature in individuals affected with SCN4A-related conditions. ClinVar contains an entry for this variant (Variation ID: 1897720). An algorithm developed to predict the effect of missense changes on protein structure and function (PolyPhen-2) suggests that this variant is likely to be disruptive. In summary, the available evidence is currently insufficient to determine the role of this variant in disease. Therefore, it has been classified as a Variant of Uncertain Significance.

NM_000334.4(SCN4A):c.1843C>G (p.Leu615Val)

Gene: SCN4A (sodium voltage-gated channel alpha subunit 4; minus strand). Cytogenetic location: 17q23.3.
Variant type: single nucleotide variant.
Coding change: c.1843C>G on transcript NM_000334.4 (MANE Select); coding-DNA position 1843, C replaced by G.
Protein change: p.Leu615Val; replaces leucine 615 with valine.
Molecular consequence: missense variant.
Genome position (GRCh38, 1-based): chr17:63,961,195, G>C on the plus strand (C>G on the coding strand, the complement: SCN4A is on the minus strand). VCF-style: chr17-63961195-G-C. GRCh37 (hg19) VCF-style: chr17-62038555-G-C.
Other names: short protein forms L615V.
Identifiers: ClinVar variation 1897720 (VCV001897720.5), dbSNP rs763346049, ClinGen allele CA400632755.
Genomic context (GRCh38, chr17:63,961,195, plus strand): 5'-TGGGCCCTACCCCCTCCCATCCTGCCCATGAATGATCCCCTCCCCCGCCCCTCCCTACCA[G>C]GTTGCCCACAGTGAGCACGTTGTCAAAGTGCTCCGTCATGGGGTAATGTTCCATGGCCAT-3'
Protein context (NP_000325.4, residues 605-625): HFDNVLTVGN[Leu615Val]VFTGIFTAEM